The following is an entry in ClinVar:

ClinVar aggregate classification (germline): Uncertain significance (1 of 4 stars; one submission).

Conditions:
Hajdu-Cheney syndrome (HJCYS). Also called: ACROOSTEOLYSIS WITH OSTEOPOROSIS AND CHANGES IN SKULL AND MANDIBLE; SERPENTINE FIBULA-POLYCYSTIC KIDNEY SYNDROME; Acroosteolysis dominant type. Identifiers: Orphanet 955, MedGen C0917715, MONDO:0007057, OMIM 102500.

Allele frequency attached by ClinVar (database versions not stated): TOPMed below 0.00001.

Submission:

Labcorp Genetics (formerly Invitae), Labcorp
Classification: Uncertain significance for Hajdu-Cheney syndrome. Last evaluated: 2022-01-17. Review status: criteria provided, single submitter. Criteria: Invitae Variant Classification Sherloc (09022015). Collection method: clinical testing. Allele origin: germline.
Comment: In summary, the available evidence is currently insufficient to determine the role of this variant in disease. Therefore, it has been classified as a Variant of Uncertain Significance. Advanced modeling of protein sequence and biophysical properties (such as structural, functional, and spatial information, amino acid conservation, physicochemical variation, residue mobility, and thermodynamic stability) performed at Invitae indicates that this missense variant is not expected to disrupt NOTCH2 protein function. This variant has not been reported in the literature in individuals affected with NOTCH2-related conditions. This variant is not present in population databases (gnomAD no frequency). This sequence change replaces alanine, which is neutral and non-polar, with threonine, which is neutral and polar, at codon 2251 of the NOTCH2 protein (p.Ala2251Thr).

NM_024408.4(NOTCH2):c.6751G>A (p.Ala2251Thr)

Gene: NOTCH2 (notch receptor 2; minus strand). Cytogenetic location: 1p12.
Variant type: single nucleotide variant.
Coding change: c.6751G>A on transcript NM_024408.4 (MANE Select); coding-DNA position 6751, G replaced by A.
Protein change: p.Ala2251Thr; replaces alanine 2251 with threonine.
Molecular consequence: missense variant.
Genome position (GRCh38, 1-based): chr1:119,915,971, C>T on the plus strand (G>A on the coding strand, the complement: NOTCH2 is on the minus strand). VCF-style: chr1-119915971-C-T. GRCh37 (hg19) VCF-style: chr1-120458594-C-T.
Other names: short protein forms A2251T.
Identifiers: ClinVar variation 2087413 (VCV002087413.4), dbSNP rs1649053560, ClinGen allele CA341876116.